The following is an entry in ClinVar:

NM_001363711.2(DUOX2):c.4061G>A (p.Gly1354Asp)

Gene: DUOX2 (dual oxidase 2; minus strand). Cytogenetic location: 15q21.1.
Variant type: single nucleotide variant.
Coding change: c.4061G>A on transcript NM_001363711.2 (MANE Select); coding-DNA position 4061, G replaced by A.
Protein change: p.Gly1354Asp; replaces glycine 1354 with aspartic acid.
Molecular consequence: missense variant.
Genome position (GRCh38, 1-based): chr15:45,095,847, C>T on the plus strand (G>A on the coding strand, the complement: DUOX2 is on the minus strand). VCF-style: chr15-45095847-C-T. GRCh37 (hg19) VCF-style: chr15-45388045-C-T.
Other names: c.4061G>A (NM_014080.4); c.4061G>A, p.Gly1354Asp (NM_014080.5); short protein forms G1354D.
Identifiers: ClinVar variation 1433002 (VCV001433002.8), dbSNP rs771855544, ClinGen allele CA7537657.

ClinVar aggregate classification (germline): Uncertain significance. Review status: criteria provided, multiple submitters, no conflicts (2 of 4 stars). 2 submissions from 2 submitters: Uncertain significance (2). Last evaluated 2025-10-24.

Conditions:
Inborn genetic diseases. Identifiers: MedGen C0950123, MeSH D030342.

Allele frequency attached by ClinVar (database versions not stated): gnomAD 0.00003 and 0.00004; gnomAD exomes 0.00003; TOPMed 0.00004; ExAC 0.00005.
gnomAD v4.1: 46 of 1,613,968 alleles (0.0029%); highest among the groups gnomAD compares: Middle Eastern, 0.016%; no homozygotes.

Submissions (2):

Ambry Genetics
Classification: Uncertain significance for Inborn genetic diseases. Last evaluated: 2025-10-24. Review status: criteria provided, single submitter. Criteria: Ambry Variant Classification Scheme 2023. Collection method: clinical testing. Allele origin: germline.
Comment: The c.4061G>A (p.G1354D) alteration is located in exon 30 (coding exon 29) of the DUOX2 gene. This alteration results from a G to A substitution at nucleotide position 4061, causing the glycine (G) at amino acid position 1354 to be replaced by an aspartic acid (D). Based on data from gnomAD, the A allele has an overall frequency of 0.003% (7/251090) total alleles studied. The highest observed frequency was 0.006% (7/113458) of European (non-Finnish) alleles. Based on insufficient or conflicting evidence, the clinical significance of this alteration remains unclear.

Labcorp Genetics (formerly Invitae), Labcorp
Classification: Uncertain significance. Last evaluated: 2025-09-06. Review status: criteria provided, single submitter. Criteria: Invitae Variant Classification Sherloc (09022015). Collection method: clinical testing. Allele origin: germline.
Comment: This sequence change replaces glycine, which is neutral and non-polar, with aspartic acid, which is acidic and polar, at codon 1354 of the DUOX2 protein (p.Gly1354Asp). This variant is present in population databases (rs771855544, gnomAD 0.006%). This variant has not been reported in the literature in individuals affected with DUOX2-related conditions. ClinVar contains an entry for this variant (Variation ID: 1433002). Invitae Evidence Modeling of protein sequence and biophysical properties (such as structural, functional, and spatial information, amino acid conservation, physicochemical variation, residue mobility, and thermodynamic stability) indicates that this missense variant is not expected to disrupt DUOX2 protein function with a negative predictive value of 95%. In summary, the available evidence is currently insufficient to determine the role of this variant in disease. Therefore, it has been classified as a Variant of Uncertain Significance.